The following is an entry in ClinVar:

ClinVar aggregate classification (germline): Uncertain significance (1 of 4 stars; one submission).

Allele frequency attached by ClinVar (database versions not stated): gnomAD exomes below 0.00001.
gnomAD v4.1: 2 of 1,187,995 alleles (0.00017%); highest among the groups gnomAD compares: African/African-American, 0.0035%; no homozygotes.

Submission:

Labcorp Genetics (formerly Invitae), Labcorp
Classification: Uncertain significance. Last evaluated: 2021-11-19. Review status: criteria provided, single submitter. Criteria: Invitae Variant Classification Sherloc (09022015). Collection method: clinical testing. Allele origin: germline.
Comment: This sequence change replaces arginine, which is basic and polar, with isoleucine, which is neutral and non-polar, at codon 545 of the CHM protein (p.Arg545Ile). The frequency data for this variant in the population databases is considered unreliable, as metrics indicate poor data quality at this position in the gnomAD database. This variant has not been reported in the literature in individuals affected with CHM-related conditions. Algorithms developed to predict the effect of missense changes on protein structure and function are either unavailable or do not agree on the potential impact of this missense change (SIFT: "Tolerated"; PolyPhen-2: "Probably Damaging"; Align-GVGD: "Class C0"). In summary, the available evidence is currently insufficient to determine the role of this variant in disease. Therefore, it has been classified as a Variant of Uncertain Significance.

NM_000390.4(CHM):c.1634G>T (p.Arg545Ile)

Gene: CHM (CHM Rab escort protein; minus strand). Cytogenetic location: Xq21.2.
Variant type: single nucleotide variant.
Coding change: c.1634G>T on transcript NM_000390.4 (MANE Select); coding-DNA position 1634, G replaced by T.
Protein change: p.Arg545Ile; replaces arginine 545 with isoleucine.
Molecular consequence: missense variant.
Genome position (GRCh38, 1-based): chrX:85,873,188, C>A on the plus strand (G>T on the coding strand, the complement: CHM is on the minus strand). VCF-style: chrX-85873188-C-A. GRCh37 (hg19) VCF-style: chrX-85128193-C-A.
Other names: c.1190G>T, p.Arg397Ile (NM_001320959.1, NM_001362517.1, NM_001362518.2 and 1 more transcripts); short protein forms R545I, R397I.
Identifiers: ClinVar variation 1395357 (VCV001395357.3), dbSNP rs767228121, ClinGen allele CA332648287.